The following is an entry in ClinVar:

ClinVar aggregate classification (germline): Benign. Review status: criteria provided, multiple submitters, no conflicts (2 of 4 stars). 3 submissions from 3 submitters: Benign (3). Last evaluated 2024-07-31.

Allele frequency attached by ClinVar (database versions not stated): TOPMed 0.96326; 1000 Genomes Project 30x 0.96377; 1000 Genomes Project 0.96466; gnomAD 0.96566 and 0.96817; gnomAD exomes 0.99583.
gnomAD v4.1: 737,524 of 744,924 alleles (99%); highest among the groups gnomAD compares: East Asian, 100%; 365,410 homozygotes.

Submissions (3):

Unidad de Genómica Garrahan, Hospital de Pediatría Garrahan
Classification: Benign. Last evaluated: 2024-07-31. Review status: criteria provided, single submitter. Criteria: ACMG Guidelines, 2015. Collection method: clinical testing. Allele origin: germline. Affected: no. Observed: 22 variant alleles.
Comment: This variant is classified as Benign based on local population frequency. This variant was detected in 24% of patients studied in a panel designed for Epileptic and Developmental Encephalopathy, Progressive Myoclonus Epilepsy and Abnormal Movements and Neurodegeneration with brain iron accumulation. Number of patients: 22. Only high quality variants are reported.

GeneDx
Classification: Benign. Last evaluated: 2018-07-05. Review status: criteria provided, single submitter. Criteria: GeneDx Variant Classification Process June 2021. Collection method: clinical testing. Allele origin: germline. Affected: yes.

Breakthrough Genomics
Classification: Benign. Review status: criteria provided, single submitter. Criteria: ACMG Guidelines, 2015. Collection method: not provided. Allele origin: germline. Inheritance: Autosomal dominant inheritance. Affected: yes.

NM_182978.4(GNAL):c.851+102A>G

Gene: GNAL (G protein subunit alpha L; plus strand). Cytogenetic location: 18p11.21.
Variant type: single nucleotide variant.
Coding change: c.851+102A>G on transcript NM_182978.4 (MANE Select); 102 bases into the intron after coding-DNA position 851, A replaced by G.
Molecular consequence: intron variant.
Genome position (GRCh38, 1-based): chr18:11,864,708, A>G. VCF-style: chr18-11864708-A-G. GRCh37 (hg19) VCF-style: chr18-11864707-A-G.
Other names: c.620+102A>G (NM_001261443.2, NM_001142339.3, NM_001369387.1); c.-2+102A>G (NM_001261444.2).
Identifiers: ClinVar variation 1227949 (VCV001227949.6), dbSNP rs4315401, ClinGen allele CA16550977.